The following is an entry in ClinVar:

ClinVar aggregate classification (germline): Uncertain significance (1 of 4 stars; one submission).

Conditions:
Hereditary cancer-predisposing syndrome. Also called: Neoplastic Syndromes, Hereditary; Tumor predisposition; Hereditary Cancer Syndrome; Hereditary neoplastic syndrome. Identifiers: Orphanet 140162, MedGen C0027672, MeSH D009386, MONDO:0015356.

Submission:

Ambry Genetics
Classification: Uncertain significance for Hereditary cancer-predisposing syndrome. Last evaluated: 2020-01-29. Review status: criteria provided, single submitter. Criteria: Ambry Variant Classification Scheme 2023. Collection method: clinical testing. Allele origin: germline.
Comment: The c.1603_1605delTAC variant (also known as p.Y535del) is located in coding exon 4 of the MSH6 gene. This variant results from an in-frame TAC deletion at nucleotide positions 1603 to 1605. This results in the in-frame deletion of a tyrosine at codon 535. This amino acid position is not well conserved in available vertebrate species. Since supporting evidence is limited at this time, the clinical significance of this alteration remains unclear.

NM_000179.3(MSH6):c.1603_1605del (p.Tyr535del)

Gene: MSH6 (mutS homolog 6; plus strand). Cytogenetic location: 2p16.3.
Variant type: Deletion.
Coding change: c.1603_1605del on transcript NM_000179.3 (MANE Select); coding-DNA positions 1603 to 1605, 3 bases deleted (TAC; older notation c.1603_1605delTAC).
Protein change: p.Tyr535del; deletes tyrosine 535.
Molecular consequence: inframe deletion. On other transcripts: inframe indel (35).
Genome position (GRCh38, 1-based): chr2:47,799,586-47,799,588, TAC deleted; deleting any 3 consecutive bases within chr2:47,799,584-47,799,588 gives the same sequence; the c. name uses the placement nearest the transcript's 3' end. VCF-style (leftmost placement, unchanged base first): chr2-47799583-AACT-A. GRCh37 (hg19) VCF-style: chr2-48026722-AACT-A.
Other names: c.1213_1215del, p.Tyr405del (NM_001281492.2); c.697_699del, p.Tyr233del (NM_001281493.2, NM_001281494.2); c.1699_1701delTAC, p.Tyr567del (NM_001406795.1, NM_001406802.1); c.1603_1605delTAC, p.Tyr535del (NM_001406796.1, NM_001406798.1, NM_001406800.1 and 4 more transcripts); c.1306_1308delTAC, p.Tyr436del (NM_001406797.1, NM_001406801.1, NM_001406805.1 and 10 more transcripts); c.1078_1080delTAC, p.Tyr360del (NM_001406799.1, NM_001406806.1, NM_001406807.1); c.1525_1527delTAC, p.Tyr509del (NM_001406804.1); c.697_699delTAC, p.Tyr233del (NM_001406811.1, NM_001406812.1, NM_001406814.1 and 4 more transcripts); and 2 more; short protein forms Y405del, Y436del, Y479del, Y509del, Y535del, Y537del, Y233del, Y567del.
Identifiers: ClinVar variation 1776210 (VCV001776210.2), dbSNP rs2530618953, ClinGen allele CA2580067653.